The following is an entry in ClinVar:

NM_001009944.3(PKD1):c.12721C>T (p.Gln4241Ter)

Gene: PKD1 (polycystin 1, transient receptor potential channel interacting; minus strand). Cytogenetic location: 16p13.3.
Variant type: single nucleotide variant.
Coding change: c.12721C>T on transcript NM_001009944.3 (MANE Select); coding-DNA position 12721, C replaced by T.
Protein change: p.Gln4241Ter; replaces glutamine 4241 with a stop codon.
Molecular consequence: nonsense.
Genome position (GRCh38, 1-based): chr16:2,089,918, G>A on the plus strand (C>T on the coding strand, the complement: PKD1 is on the minus strand). VCF-style: chr16-2089918-G-A. GRCh37 (hg19) VCF-style: chr16-2139919-G-A.
Other names: c.12718C>T, p.Gln4240Ter (NM_000296.4); short protein forms Q4240*, Q4241*.
Identifiers: ClinVar variation 993934 (VCV000993934.15), dbSNP rs2091391674, ClinGen allele CA394320360.

ClinVar aggregate classification (germline): Pathogenic/Likely pathogenic. Review status: criteria provided, multiple submitters, no conflicts (2 of 4 stars). 5 submissions from 5 submitters: Pathogenic (2); Likely pathogenic (2). 1 of the submissions does not count toward it. Last evaluated 2024-02-26.

Conditions:
Polycystic kidney disease, adult type (PKD1). Also called: Polycystic Kidney Disease 1, Autosomal Dominant; Polycystic kidney disease 1; POLYCYSTIC KIDNEY DISEASE, ADULT, TYPE I; Polycystic Kidney, Autosomal Dominant; Polycystic kidney disease 1, severe; POLYCYSTIC KIDNEY DISEASE 1 WITH OR WITHOUT POLYCYSTIC LIVER DISEASE. Identifiers: MedGen C3149841, MONDO:0008263, OMIM 173900.
Polycystic kidney disease. Also called: Polycystic kidney dysplasia; Kidney, Polycystic. Identifiers: MedGen C0022680, MeSH D007690, MONDO:0020642, HP:0000113.

Submissions (5):

Fulgent Genetics
Classification: Pathogenic for Polycystic kidney disease, adult type. Last evaluated: 2024-02-26. Review status: criteria provided, single submitter. Criteria: ACMG Guidelines, 2015. Collection method: clinical testing. Allele origin: germline.

Victorian Clinical Genetics Services, Murdoch Childrens Research Institute
Classification: Pathogenic for Polycystic kidney disease, adult type. Last evaluated: 2022-02-02. Review status: criteria provided, single submitter. Criteria: ACMG Guidelines, 2015. Collection method: clinical testing. Allele origin: germline. Inheritance: Autosomal dominant inheritance. Affected: yes.
Comment: Based on the classification scheme VCGS_Germline_v1.3.4, this variant is classified as Pathogenic. Following criteria are met: 0102 - Loss of function is a known mechanism of disease in this gene and is associated with polycystic kidney disease 1 (ADPKD) (MIM#173900). (I) 0107 - This gene is associated with autosomal dominant disease. (I) 0205 - Variant is predicted to result in a truncated protein (premature termination codon is NOT located at least 54 nucleotides upstream of the final exon-exon junction) with less than 1/3 of the protein sequence affected. (SP) 0251 - This variant is heterozygous. (I) 0301 - Variant is absent from gnomAD (both v2 and v3). (SP) 0604 - Variant is not predicted to truncate an established domain, motif, hotspot or informative constraint region. (I) 0703 - Other truncating variants comparable to the one identified in this case have moderate previous evidence for pathogenicity. At least two downstream truncating variants have previously been reported (ClinVar, PMID: 27165007). (SP) 0801 - This variant has strong previous evidence of pathogenicity in unrelated individuals. The variant has previously been reported in at least six individuals with ADPKD (MIM#173900) (ClinVar, LOVD, PMID: 21115670). (SP) 0905 - No published segregation evidence has been identified for this variant. (I) 1007 - No published functional evidence has been identified for this variant. (I) 1102 - Strong phenotype match for this individual. (SP) 1208 - Inheritance information for this variant is not currently available in this individual. (I) Legend: (SP) - Supporting pathogenic, (I) - Information, (SB) - Supporting benign

ARUP Laboratories, Molecular Genetics and Genomics, ARUP Laboratories
Classification: Likely pathogenic for Polycystic kidney disease, adult type. Last evaluated: 2019-11-21. Review status: criteria provided, single submitter. Criteria: ARUP Molecular Germline Variant Investigation Process. Collection method: clinical testing. Allele origin: germline.
Comment: The PKD1 c.12721C>T; p.Gln4241Ter variant is reported in the literature in at least one individual affected with autosomal dominant polycystic kidney disease (ADPKD) (Hoefele 2011, see link to ADPKD mutation database). This variant is absent from general population databases (Exome Variant Server, Genome Aggregation Database), indicating it is not a common polymorphism. This variant results in a premature termination codon in the last exon of the PKD1 gene. While this may not lead to nonsense-mediated decay, it is expected to create a truncated protein. Additionally, the carboxy-terminal portion of the protein is critical for protein function (Vandorpe 2001) and two downstream truncating variants (p.Gln4242Ter and p.Gln4247Ter) have been described in individuals with ADPKD (Mallawaarachchi 2016, Stekrova 2009). Based on available information, this variant is considered to be likely pathogenic. References: Link to ADPKD mutation database: Hoefele J et al. Novel PKD1 and PKD2 mutations in autosomal dominant polycystic kidney disease (ADPKD). Nephrol Dial Transplant. 2011 Jul;26(7):2181-8. Mallawaarachchi AC et al. Whole-genome sequencing overcomes pseudogene homology to diagnose autosomal dominant polycystic kidney disease. Eur J Hum Genet. 2016 Nov;24(11):1584-1590. Stekrova J et al. New mutations in the PKD1 gene in Czech population with autosomal dominant polycystic kidney disease. BMC Med Genet. 2009 Aug 17;10:78. Vandorpe DH et al. The cytoplasmic C-terminal fragment of polycystin-1 regulates a Ca2+-permeable cation channel. J Biol Chem. 2001 Feb 9;276(6):4093-101.

Juno Genomics, Hangzhou Juno Genomics, Inc
Classification: Likely pathogenic for Polycystic kidney disease, adult type. Review status: criteria provided, single submitter. Criteria: ACMG Guidelines, 2015. Collection method: clinical testing. Allele origin: germline. Affected: yes.
Comment: Absent from controls (or at extremely low frequency if recessive) in Genome Aggregation Database.;Null variant in a gene where loss of function (LOF) is a known mechanism of disease.;The prevalence of the variant in affected individuals is significantly increased compared to the prevalence in controls.;Patient's phenotype or family history is highly specific for a disease with a single genetic etiology.

Department of Pathology and Laboratory Medicine, Sinai Health System
Classification: Pathogenic for Polycystic Kidney disease. Review status: no assertion criteria provided. Collection method: clinical testing. Allele origin: unknown. Affected: yes. Study: The Canadian Open Genetics Repository (COGR). Not counted in ClinVar's aggregate classification.
Comment: The PKD1 p.Gln4241* variant was not identified in the literature nor was it identified in the dbSNP, ClinVar and PKD1-LOVD databases. The variant was identified in LOVD 3.0 (observed 1x) and ADPKD Mutation Database (observed 1x). The variant was not identified in the following control databases: the Exome Aggregation Consortium (August 8th 2016), or the Genome Aggregation Database (Feb 27, 2017). The c.12721C>T variant leads to a premature stop codon at position 4241 which is predicted to lead to a truncated or absent protein and loss of function. Loss of function variants of the PKD1 gene are an established mechanism of disease in autosomal dominant polycystic kidney disease and is the type of variant expected to cause the disorder. In summary, based on the above information this variant meets our laboratoryâ€šÃ„Ã´s criteria to be classified as pathogenic.

Literature cited by the submitters: PubMed 21115670 (cited by Victorian Clinical Genetics Services, Murdoch Childrens Research Institute); PubMed 27165007 (cited by Victorian Clinical Genetics Services, Murdoch Childrens Research Institute).